The following is an entry in ClinVar:

ClinVar aggregate classification (germline): Uncertain significance (1 of 4 stars; one submission).

Conditions:
Immunodeficiency, common variable, 7. Identifiers: Orphanet 1572, Orphanet 696894, MedGen C3542922, MONDO:0013862, OMIM 614699.

Submission:

Labcorp Genetics (formerly Invitae), Labcorp
Classification: Uncertain significance for Immunodeficiency, common variable, 7. Last evaluated: 2020-06-10. Review status: criteria provided, single submitter. Criteria: Invitae Variant Classification Sherloc (09022015). Collection method: clinical testing. Allele origin: germline.
Comment: This variant is not present in population databases (ExAC no frequency). This sequence change replaces glutamic acid with lysine at codon 1081 of the CR2 protein (p.Glu1081Lys). The glutamic acid residue is moderately conserved and there is a small physicochemical difference between glutamic acid and lysine. This variant has not been reported in the literature in individuals with CR2-related conditions. Algorithms developed to predict the effect of missense changes on protein structure and function are either unavailable or do not agree on the potential impact of this missense change (SIFT: "Tolerated"; PolyPhen-2: "Possibly Damaging"; Align-GVGD: "Class C0"). In summary, the available evidence is currently insufficient to determine the role of this variant in disease. Therefore, it has been classified as a Variant of Uncertain Significance.

NM_001006658.3(CR2):c.3241G>A (p.Glu1081Lys)

Gene: CR2 (complement C3d receptor 2; plus strand). Cytogenetic location: 1q32.2.
Variant type: single nucleotide variant.
Coding change: c.3241G>A on transcript NM_001006658.3 (MANE Select); coding-DNA position 3241, G replaced by A.
Protein change: p.Glu1081Lys; replaces glutamic acid 1081 with lysine.
Molecular consequence: missense variant.
Genome position (GRCh38, 1-based): chr1:207,485,516, G>A. VCF-style: chr1-207485516-G-A. GRCh37 (hg19) VCF-style: chr1-207658861-G-A.
Other names: c.3064G>A, p.Glu1022Lys (NM_001877.5); short protein forms E1022K, E1081K.
Identifiers: ClinVar variation 1011912 (VCV001011912.8), dbSNP rs1658726086, ClinGen allele CA344543061.